The following is an entry in ClinVar:

ClinVar aggregate classification (germline): Likely benign. Review status: criteria provided, multiple submitters, no conflicts (2 of 4 stars). 6 submissions from 6 submitters: Likely benign (4). 2 of the submissions do not count toward it. Last evaluated 2026-05-13.

Conditions:
ABCA1-related disorder. Also called: ABCA1-related condition; ABCA1-related disorders. Identifiers: MedGen CN239173.
Cardiovascular phenotype. Identifiers: MedGen CN230736.

Allele frequency attached by ClinVar (database versions not stated): ExAC 0.00003; gnomAD exomes 0.00003 and 0.00008; TOPMed 0.00005; gnomAD 0.00007.
gnomAD v4.1: 118 of 1,613,308 alleles (0.0073%); highest among the groups gnomAD compares: Non-Finnish European, 0.0097%; no homozygotes.

Submissions (6):

PreventionGenetics, part of Exact Sciences
Classification: Likely benign for ABCA1-related condition. Last evaluated: 2026-05-13. Review status: criteria provided, single submitter. Criteria: ACMG Guidelines, 2015. Collection method: clinical testing. Allele origin: germline.
Comment: This variant is classified as likely benign based on ACMG/AMP sequence variant interpretation guidelines (Richards et al. 2015 PMID: 25741868, with internal and published modifications).

Labcorp Genetics (formerly Invitae), Labcorp
Classification: Likely benign. Last evaluated: 2025-04-14. Review status: criteria provided, single submitter. Criteria: Invitae Variant Classification Sherloc (09022015). Collection method: clinical testing. Allele origin: germline.

Women's Health and Genetics/Laboratory Corporation of America, LabCorp
Classification: Likely benign. Last evaluated: 2024-03-28. Review status: criteria provided, single submitter. Criteria: LabCorp Variant Classification Summary - May 2015. Collection method: clinical testing. Allele origin: germline.

Ambry Genetics
Classification: Likely benign for Cardiovascular phenotype. Last evaluated: 2019-12-23. Review status: criteria provided, single submitter. Criteria: Ambry Variant Classification Scheme 2023. Collection method: clinical testing. Allele origin: germline.

Clinical Genetics DNA and cytogenetics Diagnostics Lab, Erasmus MC, Erasmus Medical Center
Classification: Likely benign. Review status: no assertion criteria provided. Collection method: clinical testing. Allele origin: germline. Affected: yes. Study: VKGL Data-share Consensus. Not counted in ClinVar's aggregate classification.

Clinical Genetics, Academic Medical Center
Classification: Likely benign. Review status: no assertion criteria provided. Collection method: clinical testing. Allele origin: germline. Affected: yes. Study: VKGL Data-share Consensus. Not counted in ClinVar's aggregate classification.

NM_005502.4(ABCA1):c.3432C>T (p.Asn1144=)

Gene: ABCA1 (ATP binding cassette subfamily A member 1; minus strand). Cytogenetic location: 9q31.1.
Variant type: single nucleotide variant.
Coding change: c.3432C>T on transcript NM_005502.4 (MANE Select); coding-DNA position 3432, C replaced by T.
Protein change: p.Asn1144=; no amino-acid change (asparagine 1144 retained).
Molecular consequence: synonymous variant.
Genome position (GRCh38, 1-based): chr9:104,818,693, G>A on the plus strand (C>T on the coding strand, the complement: ABCA1 is on the minus strand). VCF-style: chr9-104818693-G-A. GRCh37 (hg19) VCF-style: chr9-107580974-G-A.
Identifiers: ClinVar variation 1284466 (VCV001284466.11), dbSNP rs559256396, ClinGen allele CA5168452.